The following is an entry in ClinVar:

ClinVar aggregate classification (germline): Uncertain significance (1 of 4 stars; one submission).

Conditions:
Tubulointerstitial kidney disease, autosomal dominant, 2 (ADTKD2). Also called: MEDULLARY CYSTIC KIDNEY DISEASE, AUTOSOMAL DOMINANT; POLYCYSTIC KIDNEYS, MEDULLARY TYPE; Medullary cystic kidney disease 1; Autosomal Dominant Tubulointerstitial Kidney Disease – MUC1. Identifiers: Orphanet 34149, Orphanet 88949, MedGen C1868139, MONDO:0020726, OMIM 174000.

Submission:

MVZ Medizinische Genetik Mainz
Classification: Uncertain significance for Tubulointerstitial kidney disease, autosomal dominant, 2. Last evaluated: 2025-06-11. Review status: criteria provided, single submitter. Criteria: UK Practice Guidelines For Variant Classification V4 01 2020. Collection method: clinical testing. Allele origin: germline. Inheritance: Autosomal dominant inheritance. Affected: yes. Observed: 1 variant allele.
Comment: ACMG Criteria: PVS1_STR,PM2_SUP

NM_002456.6(MUC1):c.160-208_160-205dup

Gene: MUC1 (mucin 1, cell surface associated; minus strand). Cytogenetic location: 1q22.
Variant type: Duplication.
Coding change: c.160-208_160-205dup on transcript NM_002456.6; 208 bases into the intron before coding-DNA position 160 through 205 bases into the intron before coding-DNA position 160, 4 bases duplicated (AGGC; older notation c.160-208_160-205dupAGGC).
Molecular consequence: intron variant. On other transcripts: frameshift variant (3).
Genome position (GRCh38, 1-based): chr1:155,188,490-155,188,493, GCCT duplicated on the plus strand (AGGC on the coding strand, the reverse complement: MUC1 is on the minus strand); duplicating any 4 consecutive bases within chr1:155,188,490-155,188,494 gives the same sequence; the c. name uses the placement nearest the transcript's 3' end. VCF-style (leftmost placement, unchanged base first): chr1-155188489-A-AGCCT. GRCh37 (hg19) VCF-style: chr1-155160965-A-AGCCT.
Other names: c.187-281_187-278dup (NM_001204292.1, NM_001204296.2); c.187-262_187-259dup (NM_001204295.1, NM_001044392.3, NM_001204288.2 and 1 more transcripts); c.124-439_124-436dup (NM_001204290.2); c.160-281_160-278dup (NM_001204294.2, NM_001044393.3, NM_001044390.3); c.160-262_160-259dup (NM_001044391.3, NM_001018017.3); c.160-208_160-205dup (NM_001204293.2); c.187-439_187-436dup (NM_001204289.2); c.187-208_187-205dup (NM_001204297.2, NM_001204287.2); and 4 more; short protein forms S188fs, S197fs, S943fs.
Identifiers: ClinVar variation 3907663 (VCV003907663.1).